The following is an entry in ClinVar:

NM_000352.6(ABCC8):c.598del (p.Thr200fs)

Gene: ABCC8 (ATP binding cassette subfamily C member 8; minus strand). Cytogenetic location: 11p15.1.
Variant type: Deletion.
Coding change: c.598del on transcript NM_000352.6 (MANE Select); coding-DNA position 598, one base deleted (A; older notation c.598delA).
Protein change: p.Thr200fs; shifts the reading frame from threonine 200.
Molecular consequence: frameshift variant. On other transcripts: non-coding transcript variant (1).
Genome position (GRCh38, 1-based): chr11:17,461,807, T deleted on the plus strand (A on the coding strand, the reverse complement: ABCC8 is on the minus strand). VCF-style (leftmost placement, unchanged base first): chr11-17461806-GT-G. GRCh37 (hg19) VCF-style: chr11-17483353-GT-G.
Other names: c.598del, p.Thr200fs (NM_001287174.3, NM_001351295.2, NM_001351296.2 and 1 more transcripts); short protein forms T200fs.
Identifiers: ClinVar variation 802661 (VCV000802661.2), dbSNP rs1591890137, ClinGen allele CA915948112.

ClinVar aggregate classification (germline): Conflicting classifications of pathogenicity. Review status: criteria provided, conflicting classifications (1 of 4 stars). 3 submissions from 2 submitters: Pathogenic (1); Uncertain significance (2). Last evaluated 2019-05-28.

Conditions:
Transitory neonatal diabetes mellitus. Also called: Transient neonatal diabetes mellitus. Identifiers: MedGen C0342273, MONDO:0020525, HP:0008255.
Hyperinsulinemic hypoglycemia, familial, 1 (HHF1). Also called: Persistent hyperinsulinemic hypoglycemia of infancy; HYPERINSULINISM, FAMILIAL, WITH PANCREATIC NESIDIOBLASTOSIS; HYPOGLYCEMIA, HYPERINSULINEMIC, OF INFANCY; NESIDIOBLASTOSIS OF PANCREAS; Persistent Hyperinsulinemia Hypoglycemia of Infancy. Identifiers: Orphanet 276575, Orphanet 276598, MedGen C2931832, MONDO:0009734, OMIM 256450.
Maturity-onset diabetes of the young (MODY). Also called: Maturity onset diabetes mellitus in young. Identifiers: Orphanet 552, MedGen C0342276, MONDO:0018911, HP:0004904.

Submissions (3):

Mendelics
Classification: Pathogenic for Hyperinsulinemic hypoglycemia, familial, 1. Last evaluated: 2019-05-28. Review status: criteria provided, single submitter. Criteria: Mendelics Assertion Criteria 2017. Collection method: clinical testing. Allele origin: unknown.

Clinical Genomics, Uppaluri K&H Personalized Medicine Clinic
Classification: Uncertain significance for Maturity-onset diabetes of the young. Review status: criteria provided, single submitter. Criteria: K & H Uppaluri Personalized Medicine Clinic Variant Classification & Assertion Criteria_Updated V.1. Collection method: research. Allele origin: unknown. Inheritance: Somatic mutation.
Comment: Mutations in ABCC8 gene are associated with both neonatal diabetes mellitus as well as MODY. Patients with this mutation may have a better response to sulfonylureas. However, no sufficient evidence is found to ascertain the role of this particular variant (rs1591890137) in MODY yet.

Clinical Genomics, Uppaluri K&H Personalized Medicine Clinic
Classification: Uncertain significance for Transitory neonatal diabetes mellitus. Review status: criteria provided, single submitter. Criteria: K & H Uppaluri Personalized Medicine Clinic Variant Classification & Assertion Criteria_Updated V.1. Collection method: research. Allele origin: unknown. Inheritance: Somatic mutation.
Comment: Mutations in ABCC8 gene are associated with both neonatal diabetes mellitus as well as MODY. Patients with this mutation may have a better response to sulfonylureas. However, no sufficient evidence is found to ascertain the role of this particular variant (rs1591890137) in neonatal diabetes yet.

Literature cited by the submitters: PubMed 16885549 (cited by Clinical Genomics, Uppaluri K&H Personalized Medicine Clinic); PubMed 21989597 (cited by Clinical Genomics, Uppaluri K&H Personalized Medicine Clinic); PubMed 27538677 (cited by Clinical Genomics, Uppaluri K&H Personalized Medicine Clinic); PubMed 18981553 (cited by Clinical Genomics, Uppaluri K&H Personalized Medicine Clinic); PubMed 32027066 (cited by Clinical Genomics, Uppaluri K&H Personalized Medicine Clinic); PubMed 16613899 (cited by Clinical Genomics, Uppaluri K&H Personalized Medicine Clinic); PubMed 18025408 (cited by Clinical Genomics, Uppaluri K&H Personalized Medicine Clinic); PubMed 32792356 (cited by Clinical Genomics, Uppaluri K&H Personalized Medicine Clinic).